The following is an entry in ClinVar:

NM_031407.7(HUWE1):c.1000A>G (p.Ile334Val)

Gene: HUWE1 (HECT, UBA and WWE domain containing E3 ubiquitin protein ligase 1; minus strand). Cytogenetic location: Xp11.22.
Variant type: single nucleotide variant.
Coding change: c.1000A>G on transcript NM_031407.7 (MANE Select); coding-DNA position 1000, A replaced by G.
Protein change: p.Ile334Val; replaces isoleucine 334 with valine.
Molecular consequence: missense variant.
Genome position (GRCh38, 1-based): chrX:53,628,866, T>C on the plus strand (A>G on the coding strand, the complement: HUWE1 is on the minus strand). VCF-style: chrX-53628866-T-C. GRCh37 (hg19) VCF-style: chrX-53655817-T-C.
Other names: short protein forms I334V.
Identifiers: ClinVar variation 211157 (VCV000211157.7), dbSNP rs781928056, ClinGen allele CA208521.

ClinVar aggregate classification (germline): Conflicting classifications of pathogenicity. Review status: criteria provided, conflicting classifications (1 of 4 stars). 2 submissions from 2 submitters: Uncertain significance (1); Likely benign (1). Last evaluated 2017-04-14.

Allele frequency attached by ClinVar (database versions not stated): TOPMed below 0.00001; gnomAD exomes 0.00001 and 0.00002; ExAC 0.00003.
gnomAD v4.1: 7 of 1,208,121 alleles (0.00058%); highest among the groups gnomAD compares: Admixed American, 0.0065%; no homozygotes.

Submissions (2):

GeneDx
Classification: Uncertain significance. Last evaluated: 2017-04-14. Review status: criteria provided, single submitter. Criteria: GeneDx Variant Classification (06012015). Collection method: clinical testing. Allele origin: germline. Affected: yes.
Comment: The I334V variant in the HUWE1 gene has not been reported previously as a pathogenic variant, nor as a benign variant, to our knowledge. The I334V variant is not observed in large population cohorts (Lek et al., 2016; 1000 Genomes Consortium et al., 2015; Exome Variant Server). This substitution occurs at a position where amino acids with similar properties to Isoleucine are tolerated across species. However, the I334V variant is a conservative amino acid substitution, which is not likely to impact secondary protein structure as these residues share similar properties. In silico analysis is inconsistent in its predictions as to whether or not the variant is damaging to the protein structure/function. We interpret I334V as a variant of uncertain significance.

Genetic Services Laboratory, University of Chicago
Classification: Likely benign. Last evaluated: 2015-12-04. Review status: criteria provided, single submitter. Criteria: ACMG Guidelines, 2015. Collection method: clinical testing. Allele origin: germline. Affected: no.